The following is an entry in ClinVar:

ClinVar aggregate classification (germline): Uncertain significance (1 of 4 stars; one submission).

Conditions:
Cardiovascular phenotype. Identifiers: MedGen CN230736.

Allele frequency attached by ClinVar (database versions not stated): TOPMed 0.00001; gnomAD exomes below 0.00001; gnomAD 0.00001.
gnomAD v4.1: 6 of 1,599,214 alleles (0.00038%); highest among the groups gnomAD compares: Non-Finnish European, 0.00043%; no homozygotes.

Submission:

Ambry Genetics
Classification: Uncertain significance for Cardiovascular phenotype. Last evaluated: 2023-06-16. Review status: criteria provided, single submitter. Criteria: Ambry Variant Classification Scheme 2023. Collection method: clinical testing. Allele origin: germline.
Comment: The p.H173Y variant (also known as c.517C>T), located in coding exon 4 of the LIPA gene, results from a C to T substitution at nucleotide position 517. The histidine at codon 173 is replaced by tyrosine, an amino acid with similar properties. This amino acid position is conserved. In addition, the in silico prediction for this alteration is inconclusive. Since supporting evidence is limited at this time, the clinical significance of this alteration remains unclear.

NM_000235.4(LIPA):c.517C>T (p.His173Tyr)

Gene: LIPA (lipase A, lysosomal acid type; minus strand). Cytogenetic location: 10q23.31.
Variant type: single nucleotide variant.
Coding change: c.517C>T on transcript NM_000235.4 (MANE Select); coding-DNA position 517, C replaced by T.
Protein change: p.His173Tyr; replaces histidine 173 with tyrosine.
Molecular consequence: missense variant.
Genome position (GRCh38, 1-based): chr10:89,226,916, G>A on the plus strand (C>T on the coding strand, the complement: LIPA is on the minus strand). VCF-style: chr10-89226916-G-A. GRCh37 (hg19) VCF-style: chr10-90986673-G-A.
Other names: c.517C>T, p.His173Tyr (NM_001127605.3); c.169C>T, p.His57Tyr (NM_001288979.2); short protein forms H173Y, H57Y.
Identifiers: ClinVar variation 2586381 (VCV002586381.2), dbSNP rs1159368428, ClinGen allele CA377517498.